The following is an entry in ClinVar:

ClinVar aggregate classification (germline): Uncertain significance (1 of 4 stars; one submission).

Submission:

Ambry Genetics
Classification: Uncertain significance. Last evaluated: 2025-05-19. Review status: criteria provided, single submitter. Criteria: Ambry Variant Classification Scheme 2023. Collection method: clinical testing. Allele origin: germline.
Comment: The p.A459G variant (also known as c.1376C>G), located in coding exon 10 of the RINT1 gene, results from a C to G substitution at nucleotide position 1376. The alanine at codon 459 is replaced by glycine, an amino acid with similar properties. This amino acid position is conserved. In addition, the in silico prediction for this alteration is inconclusive. Based on the available evidence, the clinical significance of this variant remains unclear.

NM_021930.6(RINT1):c.1376C>G (p.Ala459Gly)

Gene: RINT1 (RAD50 interactor 1; plus strand). Cytogenetic location: 7q22.3.
Variant type: single nucleotide variant.
Coding change: c.1376C>G on transcript NM_021930.6 (MANE Select); coding-DNA position 1376, C replaced by G.
Protein change: p.Ala459Gly; replaces alanine 459 with glycine.
Molecular consequence: missense variant. On other transcripts: non-coding transcript variant (1).
Genome position (GRCh38, 1-based): chr7:105,551,612, C>G. VCF-style: chr7-105551612-C-G. GRCh37 (hg19) VCF-style: chr7-105192059-C-G.
Other names: c.1142C>G, p.Ala381Gly (NM_001346599.2); c.353C>G, p.Ala118Gly (NM_001346600.2, NM_001346603.2); c.452C>G, p.Ala151Gly (NM_001346601.2); short protein forms A381G, A151G, A459G, A118G.
Identifiers: ClinVar variation 3946003 (VCV003946003.1).
Genomic context (GRCh38, chr7:105,551,612, plus strand): 5'-GTTTTGTCTGCTTATCAGTTGCTCTTCAAAAAATGGACTCAATGCTTTCCTCAGAAGCTG[C>G]CTGGGTATCGCAATATAAGGATATCACTGACGTGGATGAAATGAAAGTTCCAGATTGTGC-3'
Protein context (NP_068749.3, residues 449-469): KMDSMLSSEA[Ala459Gly]WVSQYKDITD